The following is an entry in ClinVar:

NM_000350.3(ABCA4):c.1497G>A (p.Trp499Ter)

Gene: ABCA4 (ATP binding cassette subfamily A member 4; minus strand). Cytogenetic location: 1p22.1.
Variant type: single nucleotide variant.
Coding change: c.1497G>A on transcript NM_000350.3 (MANE Select); coding-DNA position 1497, G replaced by A.
Protein change: p.Trp499Ter; replaces tryptophan 499 with a stop codon.
Molecular consequence: nonsense.
Genome position (GRCh38, 1-based): chr1:94,077,747, C>T on the plus strand (G>A on the coding strand, the complement: ABCA4 is on the minus strand). VCF-style: chr1-94077747-C-T. GRCh37 (hg19) VCF-style: chr1-94543303-C-T.
Other names: c.1497G>A, p.Trp499Ter (NM_001425324.1); short protein forms W499*.
Identifiers: ClinVar variation 438087 (VCV000438087.12), dbSNP rs1553193813, ClinGen allele CA341281905.

ClinVar aggregate classification (germline): Pathogenic. Review status: criteria provided, multiple submitters, no conflicts (2 of 4 stars). 4 submissions from 4 submitters: Pathogenic (2). 2 of the submissions do not count toward it. Last evaluated 2023-03-24.

Conditions:
Cone-rod dystrophy 3 (CORD3). Identifiers: Orphanet 1872, MedGen C1858806, MONDO:0011395, OMIM 604116.
Retinal dystrophy. Also called: Inherited retinal dystrophy. Identifiers: Orphanet 71862, MedGen C0854723, MeSH D058499, MONDO:0019118, HP:0000556.

Submissions (4):

GeneDx
Classification: Pathogenic. Last evaluated: 2023-03-24. Review status: criteria provided, single submitter. Criteria: GeneDx Variant Classification Process June 2021. Collection method: clinical testing. Allele origin: germline. Affected: yes.
Comment: Nonsense variant predicted to result in protein truncation or nonsense mediated decay in a gene for which loss of function is a known mechanism of disease; Not observed at significant frequency in large population cohorts (gnomAD); This variant is associated with the following publications: (PMID: 32581362, 28041643)

Labcorp Genetics (formerly Invitae), Labcorp
Classification: Pathogenic. Last evaluated: 2020-09-25. Review status: criteria provided, single submitter. Criteria: Invitae Variant Classification Sherloc (09022015). Collection method: clinical testing. Allele origin: germline.
Comment: For these reasons, this variant has been classified as Pathogenic. Loss-of-function variants in ABCA4 are known to be pathogenic (PMID: 10958761, 24938718, 25312043, 26780318). This variant has been observed in individual(s) with inherited retinal dystrophy (PMID: 28041643). ClinVar contains an entry for this variant (Variation ID: 438087). This variant is not present in population databases (ExAC no frequency). This sequence change creates a premature translational stop signal (p.Trp499*) in the ABCA4 gene. It is expected to result in an absent or disrupted protein product.

Bioscientia Institut fuer Medizinische Diagnostik GmbH, Sonic Healthcare
Classification: Pathogenic for Cone-rod dystrophy 3. Last evaluated: 2017-04-20. Review status: no assertion criteria provided. Collection method: clinical testing. Allele origin: germline. Affected: yes. Not counted in ClinVar's aggregate classification.

NIHR Bioresource Rare Diseases, University of Cambridge
Classification: Likely pathogenic for Retinal dystrophy. Last evaluated: 2015-01-01. Review status: no assertion criteria provided. Collection method: research. Allele origin: unknown. Affected: yes. Observed: 1 variant allele. Not counted in ClinVar's aggregate classification.

Literature cited by the submitters: PubMed 10958761 (cited by Labcorp Genetics (formerly Invitae), Labcorp); PubMed 24938718 (cited by Labcorp Genetics (formerly Invitae), Labcorp); PubMed 25312043 (cited by Labcorp Genetics (formerly Invitae), Labcorp); PubMed 26780318 (cited by Labcorp Genetics (formerly Invitae), Labcorp); PubMed 28041643 (cited by Labcorp Genetics (formerly Invitae), Labcorp and NIHR Bioresource Rare Diseases, University of Cambridge).